The following is an entry in ClinVar:

ClinVar aggregate classification (germline): Uncertain significance. Review status: criteria provided, multiple submitters, no conflicts (2 of 4 stars). 3 submissions from 3 submitters: Uncertain significance (3). Last evaluated 2026-04-11.

Conditions:
Congenital factor V deficiency. Also called: LABILE FACTOR DEFICIENCY; OWREN PARAHEMOPHILIA; PARAHEMOPHILIA; Hereditary factor V deficiency disease. Identifiers: Orphanet 326, MedGen C0015499, MONDO:0009210, OMIM 227400.
Inborn genetic diseases. Identifiers: MedGen C0950123, MeSH D030342.
Thrombus. Identifiers: MedGen C0087086, MeSH D013927.

Allele frequency attached by ClinVar (database versions not stated): ExAC 0.00003; 1000 Genomes Project 30x 0.00016; 1000 Genomes Project 0.00020; gnomAD exomes 0.00005; gnomAD 0.00004.

Submissions (3):

Ambry Genetics
Classification: Uncertain significance for Inborn genetic diseases. Last evaluated: 2026-04-11. Review status: criteria provided, single submitter. Criteria: Ambry Variant Classification Scheme 2023. Collection method: clinical testing. Allele origin: germline.
Comment: The p.L1208F variant (also known as c.3622C>T), located in coding exon 13 of the F5 gene, results from a C to T substitution at nucleotide position 3622. The leucine at codon 1208 is replaced by phenylalanine, an amino acid with highly similar properties. This amino acid position is conserved. In addition, this alteration is predicted to be tolerated by in silico analysis. Based on the available evidence, the clinical significance of this variant remains unclear.

Labcorp Genetics (formerly Invitae), Labcorp
Classification: Uncertain significance for Congenital factor V deficiency. Last evaluated: 2025-09-22. Review status: criteria provided, single submitter. Criteria: Invitae Variant Classification Sherloc (09022015). Collection method: clinical testing. Allele origin: germline.
Comment: This sequence change replaces leucine, which is neutral and non-polar, with phenylalanine, which is neutral and non-polar, at codon 1208 of the F5 protein (p.Leu1208Phe). This variant is present in population databases (rs184438605, gnomAD 0.01%). This variant has not been reported in the literature in individuals affected with F5-related conditions. ClinVar contains an entry for this variant (Variation ID: 2572160). Invitae Evidence Modeling of protein sequence and biophysical properties (such as structural, functional, and spatial information, amino acid conservation, physicochemical variation, residue mobility, and thermodynamic stability) indicates that this missense variant is not expected to disrupt F5 protein function with a negative predictive value of 80%. In summary, the available evidence is currently insufficient to determine the role of this variant in disease. Therefore, it has been classified as a Variant of Uncertain Significance.

ISTH-SSC Genomics in Thrombosis and Hemostasis, KU Leuven, Center for Molecular and Vascular Biology
Classification: Uncertain significance for Thrombus. Review status: criteria provided, single submitter. Criteria: ACMG Guidelines, 2015. Collection method: clinical testing. Allele origin: germline. Affected: yes. Observed: 1 compound heterozygote.
Comment: Submitted to the GoldVariant database by Kathleen Freson, Center for Molecular and Vascular Biology

NM_000130.5(F5):c.3622C>T (p.Leu1208Phe)

Gene: F5 (coagulation factor V; minus strand). Cytogenetic location: 1q24.2.
Variant type: single nucleotide variant.
Coding change: c.3622C>T on transcript NM_000130.5 (MANE Select); coding-DNA position 3622, C replaced by T.
Protein change: p.Leu1208Phe; replaces leucine 1208 with phenylalanine.
Molecular consequence: missense variant.
Genome position (GRCh38, 1-based): chr1:169,541,468, G>A on the plus strand (C>T on the coding strand, the complement: F5 is on the minus strand). VCF-style: chr1-169541468-G-A. GRCh37 (hg19) VCF-style: chr1-169510706-G-A.
Other names: short protein forms L1208F.
Identifiers: ClinVar variation 2572160 (VCV002572160.3), dbSNP rs184438605, ClinGen allele CA1233864.
Genomic context (GRCh38, chr1:169,541,468, plus strand): 5'-GACCGAGGGCTGGGGAAAGGTTTCTCTGAATGAGTTCTGGAGAGAGAGTCGTGTGGCTGA[G>A]GTCTGGAGAGAGGTTTGTCTGGCTGAGTTCTGGAGAGAGGGTCACCTGGCTGAGGTCTGG-3'
Protein context (NP_000121.2, residues 1198-1218): ELSQTNLSPD[Leu1208Phe]SHTTLSPELI